The following is an entry in ClinVar:

NM_001282531.3(ADNP):c.2722C>A (p.Pro908Thr)

Gene: ADNP (activity dependent neuroprotector homeobox; minus strand). Cytogenetic location: 20q13.13.
Variant type: single nucleotide variant.
Coding change: c.2722C>A on transcript NM_001282531.3 (MANE Select); coding-DNA position 2722, C replaced by A.
Protein change: p.Pro908Thr; replaces proline 908 with threonine.
Molecular consequence: missense variant.
Genome position (GRCh38, 1-based): chr20:50,891,992, G>T on the plus strand (C>A on the coding strand, the complement: ADNP is on the minus strand). VCF-style: chr20-50891992-G-T. GRCh37 (hg19) VCF-style: chr20-49508529-G-T.
Other names: c.2722C>A, p.Pro908Thr (NM_001282532.2, NM_001347511.2, NM_015339.5 and 1 more transcripts); short protein forms P908T.
Identifiers: ClinVar variation 2192892 (VCV002192892.4), dbSNP rs774937286, ClinGen allele CA9908536.

ClinVar aggregate classification (germline): Uncertain significance (1 of 4 stars; one submission).

Allele frequency attached by ClinVar (database versions not stated): ExAC 0.00001; gnomAD 0.00001.
gnomAD v4.1: 5 of 1,613,970 alleles (0.00031%); highest among the groups gnomAD compares: Admixed American, 0.0083%; no homozygotes.

Submission:

Labcorp Genetics (formerly Invitae), Labcorp
Classification: Uncertain significance. Last evaluated: 2024-06-26. Review status: criteria provided, single submitter. Criteria: Invitae Variant Classification Sherloc (09022015). Collection method: clinical testing. Allele origin: germline.
Comment: This sequence change replaces proline, which is neutral and non-polar, with threonine, which is neutral and polar, at codon 908 of the ADNP protein (p.Pro908Thr). This variant is present in population databases (rs774937286, gnomAD 0.02%). This variant has not been reported in the literature in individuals affected with ADNP-related conditions. ClinVar contains an entry for this variant (Variation ID: 2192892). An algorithm developed to predict the effect of missense changes on protein structure and function (PolyPhen-2) suggests that this variant is likely to be tolerated. In summary, the available evidence is currently insufficient to determine the role of this variant in disease. Therefore, it has been classified as a Variant of Uncertain Significance.